The following is an entry in ClinVar:

NM_020163.3(SEMA3G):c.452G>A (p.Arg151His)

Gene: SEMA3G (semaphorin 3G; minus strand). Cytogenetic location: 3p21.1.
Variant type: single nucleotide variant.
Coding change: c.452G>A on transcript NM_020163.3 (MANE Select); coding-DNA position 452, G replaced by A.
Protein change: p.Arg151His; replaces arginine 151 with histidine.
Molecular consequence: missense variant.
Genome position (GRCh38, 1-based): chr3:52,442,192, C>T on the plus strand (G>A on the coding strand, the complement: SEMA3G is on the minus strand). VCF-style: chr3-52442192-C-T. GRCh37 (hg19) VCF-style: chr3-52476208-C-T.
Other names: c.452G>A (NM_020163.2); short protein forms R151H.
Identifiers: ClinVar variation 2396577 (VCV002396577.4), dbSNP rs773639439, ClinGen allele CA2438344.

ClinVar aggregate classification (germline): Uncertain significance. Review status: criteria provided, single submitter (1 of 4 stars). 2 submissions from 2 submitters: Uncertain significance (1). 1 of the submissions does not count toward it. Last evaluated 2022-11-03.

Conditions:
SEMA3G-related disorder. Also called: SEMA3G-related condition.

Allele frequency attached by ClinVar (database versions not stated): gnomAD 0.00003; ExAC 0.00004.
gnomAD v4.1: 31 of 1,613,094 alleles (0.0019%); highest among the groups gnomAD compares: Admixed American, 0.018%; no homozygotes.

Submissions (2):

Ambry Genetics
Classification: Uncertain significance. Last evaluated: 2022-11-03. Review status: criteria provided, single submitter. Criteria: Ambry Variant Classification Scheme 2023. Collection method: clinical testing. Allele origin: germline.

PreventionGenetics, part of Exact Sciences
Classification: Uncertain significance for SEMA3G-related condition. Last evaluated: 2024-04-30. Review status: no assertion criteria provided. Collection method: clinical testing. Allele origin: germline. Not counted in ClinVar's aggregate classification.
Comment: The SEMA3G c.452G>A variant is predicted to result in the amino acid substitution p.Arg151His. To our knowledge, this variant has not been reported in the literature. This variant is reported in 0.020% of alleles in individuals of Latino descent in gnomAD. At this time, the clinical significance of this variant is uncertain due to the absence of conclusive functional and genetic evidence.